The following is an entry in ClinVar:

NM_005245.4(FAT1):c.1532C>T (p.Ala511Val)

Gene: FAT1 (FAT atypical cadherin 1; minus strand). Cytogenetic location: 4q35.2.
Variant type: single nucleotide variant.
Coding change: c.1532C>T on transcript NM_005245.4 (MANE Select); coding-DNA position 1532, C replaced by T.
Protein change: p.Ala511Val; replaces alanine 511 with valine.
Molecular consequence: missense variant.
Genome position (GRCh38, 1-based): chr4:186,708,296, G>A on the plus strand (C>T on the coding strand, the complement: FAT1 is on the minus strand). VCF-style: chr4-186708296-G-A. GRCh37 (hg19) VCF-style: chr4-187629450-G-A.
Other names: c.1532C>T (NM_005245.3); short protein forms A511V.
Identifiers: ClinVar variation 2060310 (VCV002060310.6), dbSNP rs757086321, ClinGen allele CA3167447.
Genomic context (GRCh38, chr4:186,708,296, plus strand): 5'-GGCATCAGTTCGTAGTCCAGGTTTTCTGACGTACTCACGGCACCAGTGAAATGGTCAATC[G>A]CAAACGGCACATGATTTAAATTTGCGATACTGTATGTCACGTACCCGTTCTCACCCTCAT-3'
Protein context (NP_005236.2, residues 501-521): SIANLNHVPF[Ala511Val]IDHFTGAVST

ClinVar aggregate classification (germline): Conflicting classifications of pathogenicity. Review status: criteria provided, conflicting classifications (1 of 4 stars). 2 submissions from 2 submitters: Uncertain significance (1); Likely benign (1). Last evaluated 2023-05-03.

Conditions:
Inborn genetic diseases. Identifiers: MedGen C0950123, MeSH D030342.

Allele frequency attached by ClinVar (database versions not stated): ExAC 0.00017; gnomAD 0.00004; TOPMed 0.00003; gnomAD exomes 0.00008.
gnomAD v4.1: 121 of 1,613,782 alleles (0.0075%); highest among the groups gnomAD compares: Non-Finnish European, 0.0093%; no homozygotes.

Submissions (2):

Ambry Genetics
Classification: Likely benign for Inborn genetic diseases. Last evaluated: 2023-05-03. Review status: criteria provided, single submitter. Criteria: Ambry Variant Classification Scheme 2023. Collection method: clinical testing. Allele origin: germline.

Labcorp Genetics (formerly Invitae), Labcorp
Classification: Uncertain significance. Last evaluated: 2022-05-13. Review status: criteria provided, single submitter. Criteria: Invitae Variant Classification Sherloc (09022015). Collection method: clinical testing. Allele origin: germline.
Comment: In summary, the available evidence is currently insufficient to determine the role of this variant in disease. Therefore, it has been classified as a Variant of Uncertain Significance. Algorithms developed to predict the effect of missense changes on protein structure and function output the following: SIFT: "Tolerated"; PolyPhen-2: "Benign"; Align-GVGD: "Class C0". The valine amino acid residue is found in multiple mammalian species, which suggests that this missense change does not adversely affect protein function. This variant has not been reported in the literature in individuals affected with FAT1-related conditions. The frequency data for this variant in the population databases is considered unreliable, as metrics indicate poor data quality at this position in the gnomAD database. This sequence change replaces alanine, which is neutral and non-polar, with valine, which is neutral and non-polar, at codon 511 of the FAT1 protein (p.Ala511Val).